The following is an entry in ClinVar:

NM_002016.2(FLG):c.9658G>C (p.Asp3220His)

Genes: CCDST (cervical cancer associated DHX9 suppressive transcript; plus strand), FLG (filaggrin; minus strand). Cytogenetic location: 1q21.3.
Variant type: single nucleotide variant.
Coding change: c.9658G>C on transcript NM_002016.2 (MANE Select); coding-DNA position 9658, G replaced by C.
Protein change: p.Asp3220His; replaces aspartic acid 3220 with histidine.
Molecular consequence: missense variant.
Genome position (GRCh38, 1-based): chr1:152,305,228, C>G on the plus strand (G>C on the coding strand, the complement: FLG is on the minus strand). VCF-style: chr1-152305228-C-G. GRCh37 (hg19) VCF-style: chr1-152277704-C-G.
Other names: short protein forms D3220H.
Identifiers: ClinVar variation 694498 (VCV000694498.2), dbSNP rs200240824, ClinGen allele CA1103741.

ClinVar aggregate classification (germline): Benign (0 of 4 stars; one submission).

Conditions:
Ichthyosis vulgaris. Also called: Dominant ichthyosis vulgaris; ICHTHYOSIS SIMPLEX. Identifiers: MedGen C0079584, MONDO:0024304, OMIM 146700.

Allele frequency attached by ClinVar (database versions not stated): ESP Exome Variant Server 0.00038; gnomAD 0.00179; ExAC 0.00195; gnomAD exomes 0.00224; 1000 Genomes Project 30x 0.00265; 1000 Genomes Project 0.00300.
gnomAD v4.1: 1,118 of 1,613,334 alleles (0.069%); highest among the groups gnomAD compares: East Asian, 1.7%; 9 homozygotes.

Submission:

Medical Institute of Bioregulation, Kyushu university
Classification: Benign for Ichthyosis vulgaris. Last evaluated: 2019-02-20. Review status: no assertion criteria provided. Collection method: clinical testing. Allele origin: germline. Affected: yes.
Comment: We observed some mutated allele in the 500 Japanese healthy individuals validated by Sanger sequencing.

Literature cited by the submitters: PubMed 18662816.